The following is an entry in ClinVar:

ClinVar aggregate classification (germline): Uncertain significance (1 of 4 stars; one submission).

Conditions:
Insulin-dependent diabetes mellitus secretory diarrhea syndrome (IPEX). Also called: DIABETES MELLITUS, CONGENITAL INSULIN-DEPENDENT, WITH FATAL SECRETORY DIARRHEA; DIARRHEA, POLYENDOCRINOPATHY, FATAL INFECTION SYNDROME, X-LINKED; ENTEROPATHY, AUTOIMMUNE, WITH HEMOLYTIC ANEMIA AND POLYENDOCRINOPATHY; X-Linked Autoimmunity-Allergic Dysregulation Syndrome; IPEX and IPEX-Like; Immunodeficiency, Polyendocrinopathy, and Enteropathy X-Linked Syndrome. Identifiers: Orphanet 37042, MedGen C0342288, MONDO:0010580, OMIM 304790. Disease mechanism: loss of function.

Submission:

Labcorp Genetics (formerly Invitae), Labcorp
Classification: Uncertain significance for Insulin-dependent diabetes mellitus secretory diarrhea syndrome. Last evaluated: 2021-01-28. Review status: criteria provided, single submitter. Criteria: Invitae Variant Classification Sherloc (09022015). Collection method: clinical testing. Allele origin: germline.
Comment: This sequence change replaces glutamine with histidine at codon 419 of the FOXP3 protein (p.Gln419His). The glutamine residue is moderately conserved and there is a small physicochemical difference between glutamine and histidine. This variant is not present in population databases (ExAC no frequency). In summary, the available evidence is currently insufficient to determine the role of this variant in disease. Therefore, it has been classified as a Variant of Uncertain Significance. Advanced modeling of protein sequence and biophysical properties (such as structural, functional, and spatial information, amino acid conservation, physicochemical variation, residue mobility, and thermodynamic stability) performed at Invitae indicates that this missense variant is expected to disrupt FOXP3 protein function. This variant has not been reported in the literature in individuals with FOXP3-related conditions.

NM_014009.4(FOXP3):c.1257G>C (p.Gln419His)

Gene: FOXP3 (forkhead box P3; minus strand). Cytogenetic location: Xp11.23.
Variant type: single nucleotide variant.
Coding change: c.1257G>C on transcript NM_014009.4 (MANE Select); coding-DNA position 1257, G replaced by C.
Protein change: p.Gln419His; replaces glutamine 419 with histidine.
Molecular consequence: missense variant.
Genome position (GRCh38, 1-based): chrX:49,251,373, C>G on the plus strand (G>C on the coding strand, the complement: FOXP3 is on the minus strand). VCF-style: chrX-49251373-C-G. GRCh37 (hg19) VCF-style: chrX-49107834-C-G.
Other names: c.1152G>C, p.Gln384His (NM_001114377.2); short protein forms Q419H, Q384H.
Identifiers: ClinVar variation 1414017 (VCV001414017.8), dbSNP rs2066029760, ClinGen allele CA412947162.